The following is an entry in ClinVar:

NM_014384.3(ACAD8):c.*652C>G

Gene: ACAD8 (acyl-CoA dehydrogenase family member 8; plus strand). Cytogenetic location: 11q25.
Variant type: single nucleotide variant.
Coding change: c.*652C>G on transcript NM_014384.3 (MANE Select); 652 bases downstream of the stop codon, C replaced by G.
Molecular consequence: 3 prime UTR variant.
Genome position (GRCh38, 1-based): chr11:134,265,612, C>G. VCF-style: chr11-134265612-C-G. GRCh37 (hg19) VCF-style: chr11-134135506-C-G.
Identifiers: ClinVar variation 303696 (VCV000303696.5), dbSNP rs139716145, ClinGen allele CA10637930.

ClinVar aggregate classification (germline): Likely benign (1 of 4 stars; one submission).

Conditions:
Deficiency of isobutyryl-CoA dehydrogenase. Also called: ACYL-CoA DEHYDROGENASE FAMILY, MEMBER 8, DEFICIENCY OF; IBD DEFICIENCY; ACAD8 DEFICIENCY. Identifiers: Orphanet 79159, MedGen C1969809, MONDO:0012648, OMIM 611283.

Allele frequency attached by ClinVar (database versions not stated): gnomAD 0.00076 and 0.00078; TOPMed 0.00076; 1000 Genomes Project 30x 0.00094; 1000 Genomes Project 0.00100.

Submission:

Illumina Laboratory Services, Illumina
Classification: Likely benign for Deficiency of isobutyryl-CoA dehydrogenase. Last evaluated: 2018-01-13. Review status: criteria provided, single submitter. Criteria: ICSL Variant Classification Criteria 13 December 2019. Collection method: clinical testing. Allele origin: germline.
Comment: This variant was observed in the ICSL laboratory as part of a predisposition screen in an ostensibly healthy population. It had not been previously curated by ICSL or reported in the Human Gene Mutation Database (HGMD: prior to June 1st, 2018), and was therefore a candidate for classification through an automated scoring system. Utilizing variant allele frequency, disease prevalence and penetrance estimates, and inheritance mode, an automated score was calculated to assess if this variant is too frequent to cause the disease. Based on the score and internal cut-off values, a variant classified as likely benign is not then subjected to further curation. The score for this variant resulted in a classification of likely benign for this disease.